The following continues an entry in ClinVar:

NM_000083.3(CLCN1):c.854G>A (p.Gly285Glu)

Gene: CLCN1. ClinVar aggregate classification (germline): Pathogenic. Pathogenic (12).

Submissions 13 to 16 of 16:

PreventionGenetics, part of Exact Sciences
Classification: Pathogenic for CLCN1-related condition. Last evaluated: 2024-08-15. Review status: no assertion criteria provided. Collection method: clinical testing. Allele origin: germline. Not counted in ClinVar's aggregate classification.
Comment: The CLCN1 c.854G>A variant is predicted to result in the amino acid substitution p.Gly285Glu. This variant has been reported in patients with autosomal recessive myotonia congenita (see, for example, Kubisch et al. 1998. PubMed ID: 9736777; Trip et al. 2008. PubMed ID: 18337730). In addition, it has been documented in the heterozygous state among several individuals with presumed autosomal recessive disease (Kubisch et al. 1998. PubMed ID: 9736777, Tan et al. 2014. PubMed ID: 24037712) and in at least one affected mother and her son with presumed autosomal dominant inheritance (Thomas et al. 2008. PubMed ID: 18816629). Functional studies on this variant have demonstrated that it affects chloride channel function (Kubisch et al. 1998. PubMed ID: 9736777). Of note, c.854G is the first base of exon eight and splicing prediction programs indicate that it may impact splicing at the consensus site (SpliceAI, Jaganathan K, et al. 2019. PubMed ID: 30661751). This variant is classified as pathogenic in ClinVar. This variant is reported in 0.011% of alleles in individuals of European (Non-Finnish) descent in gnomAD. In summary, this variant is interpreted as pathogenic for autosomal recessive CLCN1-related disorders; however, it is uncertain in the context of an autosomal dominant mode of inheritance.

Practice for Gait Abnormalities, David Pomarino, Competency Network Toe Walking C/o Practice Pomarino
Classification: Likely pathogenic for Tip-toe gait. Last evaluated: 2022-10-10. Review status: no assertion criteria provided. Collection method: clinical testing. Allele origin: germline. Affected: yes. Not counted in ClinVar's aggregate classification.
Comment: Myopathy refers to diseases that affect skeletal Muscles. These diseases attack muscle fibers, making muscles weak. Inherited myopathies are often caused by inheriting an abnormal gene mutation from a parent that causes the disease. Symptoms of congenital myopathies usually start at birth or in early childhood, but may not appear until the teen years or even later in adulthood. Congenital myopathies are somewhat unique compared with other inherited myopathies, as weakness typically affects all muscles and is often not progressive. Symptoms are: Muscle weakness, most commonly of upper arms and shoulders and thighs, muscle cramps, stiffness and spasms, fatigue with exertion and lack of energy. Our patients all walk on tiptoe, so they show similar symptoms. When we genetically test them with our toe walking panel, we find that around 90 per cent of them have a genetic variant that explains their toe walking. These can be assigned, for example, to the area of myopathies (such as variants of the COL6A3 gene), the area of hereditary neuropathies (such as variants of the KMT2C gene) or the area of metabolic diseases (such as variants of the PYGM gene). In a smaller group of patients with almost identical symptoms, no abnormality is found in the genes of our panel, but spastic paraplegia can be detected. In another small group of our toe walkers, no abnormalities can be detected in the genes analysed in our toe walking panel, nor do they suffer from spastic paraplegia, as is also the case with healthy children. In contrast to these, however, they show a tiptoe gait. These patients suffer from infantile cerebral palsy, in which toe walking can also be observed.

Clinical Genetics DNA and cytogenetics Diagnostics Lab, Erasmus MC, Erasmus Medical Center
Classification: Likely pathogenic. Review status: no assertion criteria provided. Collection method: clinical testing. Allele origin: germline. Affected: yes. Study: VKGL Data-share Consensus. Not counted in ClinVar's aggregate classification.

Joint Genome Diagnostic Labs from Nijmegen and Maastricht, Radboudumc and MUMC+
Classification: Pathogenic. Review status: no assertion criteria provided. Collection method: clinical testing. Allele origin: germline. Affected: yes. Study: VKGL Data-share Consensus. Not counted in ClinVar's aggregate classification.

Literature cited by the submitters: PubMed 9736777 (cited by 4 submitters); PubMed 12390967 (cited by Labcorp Genetics (formerly Invitae), Labcorp and Athena Diagnostics); PubMed 18337730 (cited by 4 submitters); PubMed 21387378 (cited by 3 submitters); PubMed 24037712 (cited by 3 submitters); PubMed 34529042 (cited by 3 submitters); PubMed 18816629 (cited by 3 submitters); PubMed 29606556 (cited by Athena Diagnostics); PubMed 28662944 (cited by Athena Diagnostics); PubMed 15786415 (cited by Athena Diagnostics); PubMed 36796140 (cited by Athena Diagnostics); PubMed 12661046 (cited by Athena Diagnostics); PubMed 23810313 (cited by Athena Diagnostics); PubMed 15162127 (cited by Athena Diagnostics and Mayo Clinic Laboratories, Mayo Clinic); PubMed 16786525 (cited by Athena Diagnostics); PubMed 17932099 (cited by Athena Diagnostics and Mayo Clinic Laboratories, Mayo Clinic); PubMed 23516313 (cited by Mayo Clinic Laboratories, Mayo Clinic); PubMed 31589614 (cited by Mayo Clinic Laboratories, Mayo Clinic); PubMed 37091313 (cited by Practice for Gait Abnormalities, David Pomarino, Competency Network Toe Walking C/o Practice Pomarino).